The following is an entry in ClinVar:

NC_000001.10:g.(?_241661128)_(241667555_?)dup

Gene: FH (fumarate hydratase; minus strand). Cytogenetic location: 1q43.
Variant type: Duplication.
Identifiers: ClinVar variation 2422461 (VCV002422461.4).

ClinVar aggregate classification (germline): Uncertain significance (1 of 4 stars; one submission).

Submission:

Labcorp Genetics (formerly Invitae), Labcorp
Classification: Uncertain significance. Last evaluated: 2023-11-15. Review status: criteria provided, single submitter. Criteria: Invitae Variant Classification Sherloc (09022015). Collection method: clinical testing. Allele origin: germline.
Comment: This variant results in a copy number gain of the genomic region encompassing exon(s) 7-10 of the FH gene. This region includes the termination codon of the gene. This copy number gain extends beyond the assayed region for this gene and therefore may encompass additional genes. As the precise location of this event is unknown, it may be in tandem or it may be located elsewhere in the genome. This variant has not been reported in the literature in individuals affected with FH-related conditions. Experimental studies and prediction algorithms are not available or were not evaluated, and the functional significance of this variant is currently unknown. In summary, the available evidence is currently insufficient to determine the role of this variant in disease. Therefore, it has been classified as a Variant of Uncertain Significance.